The following is an entry in ClinVar:

NM_002582.4(PARN):c.782A>G (p.Gln261Arg)

Gene: PARN (poly(A)-specific ribonuclease; minus strand). Cytogenetic location: 16p13.12.
Variant type: single nucleotide variant.
Coding change: c.782A>G on transcript NM_002582.4 (MANE Select); coding-DNA position 782, A replaced by G.
Protein change: p.Gln261Arg; replaces glutamine 261 with arginine.
Molecular consequence: missense variant.
Genome position (GRCh38, 1-based): chr16:14,604,147, T>C on the plus strand (A>G on the coding strand, the complement: PARN is on the minus strand). VCF-style: chr16-14604147-T-C. GRCh37 (hg19) VCF-style: chr16-14698004-T-C.
Other names: c.599A>G, p.Gln200Arg (NM_001134477.3); c.644A>G, p.Gln215Arg (NM_001242992.2); short protein forms Q200R, Q215R, Q261R.
Identifiers: ClinVar variation 3749928 (VCV003749928.2).

ClinVar aggregate classification (germline): Uncertain significance (1 of 4 stars; one submission).

Conditions:
Dyskeratosis congenita, autosomal recessive 6 (DKCB6). Identifiers: MedGen C4225356, MONDO:0014600, OMIM 616353.
Pulmonary fibrosis and/or bone marrow failure, Telomere-related, 4. Also called: PULMONARY FIBROSIS AND/OR BONE MARROW FAILURE SYNDROME, TELOMERE-RELATED, 4. Identifiers: Orphanet 2032, MedGen C4225347, MONDO:0014612, OMIM 616371.

Submission:

Labcorp Genetics (formerly Invitae), Labcorp
Classification: Uncertain significance for Dyskeratosis congenita, autosomal recessive 6; Pulmonary fibrosis and/or bone marrow failure, Telomere-related, 4. Last evaluated: 2024-05-23. Review status: criteria provided, single submitter. Criteria: Invitae Variant Classification Sherloc (09022015). Collection method: clinical testing. Allele origin: germline.
Comment: This sequence change replaces glutamine, which is neutral and polar, with arginine, which is basic and polar, at codon 261 of the PARN protein (p.Gln261Arg). This variant is not present in population databases (gnomAD no frequency). This variant has not been reported in the literature in individuals affected with PARN-related conditions. An algorithm developed to predict the effect of missense changes on protein structure and function (PolyPhen-2) suggests that this variant is likely to be tolerated. In summary, the available evidence is currently insufficient to determine the role of this variant in disease. Therefore, it has been classified as a Variant of Uncertain Significance.